The following is an entry in ClinVar:

ClinVar aggregate classification (germline): Uncertain significance. Review status: criteria provided, multiple submitters, no conflicts (2 of 4 stars). 3 submissions from 3 submitters: Uncertain significance (3). Last evaluated 2025-01-19.

Conditions:
Tuberous sclerosis 2 (TSC2). Identifiers: Orphanet 805, MedGen C1860707, MONDO:0013199, OMIM 613254.
Hereditary cancer-predisposing syndrome. Also called: Tumor predisposition; Hereditary neoplastic syndrome; Neoplastic Syndromes, Hereditary; Hereditary Cancer Syndrome. Identifiers: Orphanet 140162, MedGen C0027672, MeSH D009386, MONDO:0015356.
Tuberous sclerosis syndrome (TSC). Also called: Tuberous sclerosis; Tuberous Sclerosis Complex. Identifiers: Orphanet 805, MedGen C0041341, MONDO:0001734.

Submissions (3):

Labcorp Genetics (formerly Invitae), Labcorp
Classification: Uncertain significance for Tuberous sclerosis 2. Last evaluated: 2025-01-19. Review status: criteria provided, single submitter. Criteria: Invitae Variant Classification Sherloc (09022015). Collection method: clinical testing. Allele origin: germline.
Comment: This sequence change replaces glutamic acid, which is acidic and polar, with glutamine, which is neutral and polar, at codon 1113 of the TSC2 protein (p.Glu1113Gln). This variant is not present in population databases (gnomAD no frequency). This variant has not been reported in the literature in individuals affected with TSC2-related conditions. ClinVar contains an entry for this variant (Variation ID: 1383611). Invitae Evidence Modeling of protein sequence and biophysical properties (such as structural, functional, and spatial information, amino acid conservation, physicochemical variation, residue mobility, and thermodynamic stability) indicates that this missense variant is not expected to disrupt TSC2 protein function with a negative predictive value of 95%. In summary, the available evidence is currently insufficient to determine the role of this variant in disease. Therefore, it has been classified as a Variant of Uncertain Significance.

All of Us Research Program, National Institutes of Health
Classification: Uncertain significance for Tuberous sclerosis syndrome. Last evaluated: 2024-03-05. Review status: criteria provided, single submitter. Criteria: ACMG Guidelines, 2015. Collection method: clinical testing. Allele origin: germline. Inheritance: Autosomal dominant inheritance. Observed: 2 variant alleles, 2 heterozygotes.
Comment: This missense variant replaces glutamic acid with glutamine at codon 1113 of the TSC2 protein. Computational prediction suggests that this variant may not impact protein structure and function (internally defined REVEL score threshold <= 0.5, PMID: 27666373). To our knowledge, functional studies have not been reported for this variant. This variant has not been reported in individuals affected with TSC2-related disorders in the literature. This variant has not been identified in the general population by the Genome Aggregation Database (gnomAD). The available evidence is insufficient to determine the role of this variant in disease conclusively. Therefore, this variant is classified as a Variant of Uncertain Significance.

This study involves interpretation of variants in research participants for the purpose of population health screening. Participant phenotype was not available at the time of variant classification. Additional details can be found in publication PMID: 35346344, PMCID: PMC8962531

Ambry Genetics
Classification: Uncertain significance for Hereditary cancer-predisposing syndrome. Last evaluated: 2023-10-05. Review status: criteria provided, single submitter. Criteria: Ambry Variant Classification Scheme 2023. Collection method: clinical testing. Allele origin: germline.

NM_000548.5(TSC2):c.3337G>C (p.Glu1113Gln)

Gene: TSC2 (TSC complex subunit 2; plus strand). Cytogenetic location: 16p13.3.
Variant type: single nucleotide variant.
Coding change: c.3337G>C on transcript NM_000548.5 (MANE Select); coding-DNA position 3337, G replaced by C.
Protein change: p.Glu1113Gln; replaces glutamic acid 1113 with glutamine.
Molecular consequence: missense variant.
Genome position (GRCh38, 1-based): chr16:2,079,609, G>C. VCF-style: chr16-2079609-G-C. GRCh37 (hg19) VCF-style: chr16-2129610-G-C.
Other names: c.2605G>C, p.Glu869Gln (NM_001318831.2); c.3238G>C, p.Glu1080Gln (NM_001318832.2); c.3208G>C, p.Glu1070Gln (NM_001363528.2, NM_001370405.1, NM_021055.3); c.3205G>C, p.Glu1069Gln (NM_001370404.1, NM_001077183.3); c.3337G>C, p.Glu1113Gln (NM_001114382.3); c.3097G>C, p.Glu1033Gln (NM_001318827.2); c.3061G>C, p.Glu1021Gln (NM_001318829.2); c.3337G>C (NM_000548.3); short protein forms E1033Q, E869Q, E1021Q, E1069Q, E1070Q, E1080Q, E1113Q.
Identifiers: ClinVar variation 1383611 (VCV001383611.10), dbSNP rs1567500491, ClinGen allele CA394286618.